The following is an entry in ClinVar:

NM_001042492.3(NF1):c.7086A>C (p.Ala2362=)

Gene: NF1 (neurofibromin 1; plus strand). Cytogenetic location: 17q11.2.
Variant type: single nucleotide variant.
Coding change: c.7086A>C on transcript NM_001042492.3 (MANE Select); coding-DNA position 7086, A replaced by C.
Protein change: p.Ala2362=; no amino-acid change (alanine 2362 retained).
Molecular consequence: synonymous variant.
Genome position (GRCh38, 1-based): chr17:31,343,032, A>C. VCF-style: chr17-31343032-A-C. GRCh37 (hg19) VCF-style: chr17-29670050-A-C.
Other names: c.7023A>C, p.Ala2341= (NM_000267.4).
Identifiers: ClinVar variation 457822 (VCV000457822.15), dbSNP rs1241296625, ClinGen allele CA499236811.

ClinVar aggregate classification (germline): Benign/Likely benign. Review status: criteria provided, multiple submitters, no conflicts (2 of 4 stars). 5 submissions from 5 submitters: Benign (1); Likely benign (4). Last evaluated 2026-09-29.

Conditions:
Hereditary cancer-predisposing syndrome. Also called: Hereditary Cancer Syndrome; Hereditary neoplastic syndrome; Neoplastic Syndromes, Hereditary; Tumor predisposition. Identifiers: Orphanet 140162, MedGen C0027672, MeSH D009386, MONDO:0015356.
Neurofibromatosis, type 1 (NF1). Also called: VON RECKLINGHAUSEN DISEASE; NEUROFIBROMATOSIS, TYPE I, SOMATIC; Neurofibromatosis, type I; Peripheral type neurofibromatosis. Identifiers: Orphanet 636, MedGen C0027831, MONDO:0018975, OMIM 162200. Disease mechanism: loss of function.

Allele frequency attached by ClinVar (database versions not stated): gnomAD 0.00001; TOPMed 0.00001; gnomAD exomes below 0.00001.
gnomAD v4.1: 5 of 1,614,050 alleles (0.00031%); highest among the groups gnomAD compares: Non-Finnish European, 0.00042%; no homozygotes.

Submissions (5):

Myriad Genetics, Inc.
Classification: Benign for Neurofibromatosis, type 1. Last evaluated: 2026-09-29. Review status: criteria provided, single submitter. Criteria: Myriad Autosomal Dominant, Autosomal Recessive and X-Linked Classification Criteria (2023). Collection method: clinical testing. Allele origin: unknown.
Comment: This variant is considered benign. This variant is a silent/synonymous amino acid change and it is not expected to impact splicing.

Labcorp Genetics (formerly Invitae), Labcorp
Classification: Likely benign for Neurofibromatosis, type 1. Last evaluated: 2025-04-17. Review status: criteria provided, single submitter. Criteria: Invitae Variant Classification Sherloc (09022015). Collection method: clinical testing. Allele origin: germline.

Women's Health and Genetics/Laboratory Corporation of America, LabCorp
Classification: Likely benign. Last evaluated: 2024-01-08. Review status: criteria provided, single submitter. Criteria: LabCorp Variant Classification Summary - May 2015. Collection method: clinical testing. Allele origin: germline.

Genome-Nilou Lab
Classification: Likely benign for Neurofibromatosis, type 1. Last evaluated: 2022-03-15. Review status: criteria provided, single submitter. Criteria: ACMG Guidelines, 2015. Collection method: clinical testing. Allele origin: germline. Affected: no.

Ambry Genetics
Classification: Likely benign for Hereditary cancer-predisposing syndrome. Last evaluated: 2015-11-10. Review status: criteria provided, single submitter. Criteria: Ambry Autosomal Dominant and X-Linked criteria (10/2015). Collection method: clinical testing. Allele origin: germline. Observed: 1 variant allele.
Comment: Synonymous alterations with insufficient evidence to classify as benign